The following is an entry in ClinVar:

ClinVar aggregate classification (germline): Pathogenic/Likely pathogenic. Review status: criteria provided, multiple submitters, no conflicts (2 of 4 stars). 3 submissions from 3 submitters: Pathogenic (2); Likely pathogenic (1). Last evaluated 2025-10-03.

Conditions:
PCARE-related disorder. Also called: PCARE-related condition.
Retinitis pigmentosa 54 (RP54). Identifiers: Orphanet 791, MedGen C3150691, MONDO:0013263, OMIM 613428.

Submissions (3):

Labcorp Genetics (formerly Invitae), Labcorp
Classification: Pathogenic. Last evaluated: 2025-10-03. Review status: criteria provided, single submitter. Criteria: Invitae Variant Classification Sherloc (09022015). Collection method: clinical testing. Allele origin: germline.
Comment: This sequence change creates a premature translational stop signal (p.Ser1116Glyfs*27) in the PCARE gene. It is expected to result in an absent or disrupted protein product. Loss-of-function variants in PCARE are known to be pathogenic (PMID: 20398886, 24339724, 26496393). This variant is present in population databases (rs767188967, gnomAD 0.02%). This variant has not been reported in the literature in individuals affected with PCARE-related conditions. ClinVar contains an entry for this variant (Variation ID: 1456390). For these reasons, this variant has been classified as Pathogenic.

3billion
Classification: Pathogenic for Retinitis pigmentosa 54. Last evaluated: 2025-03-09. Review status: criteria provided, single submitter. Criteria: ACMG Guidelines, 2015. Collection method: clinical testing. Allele origin: germline. Affected: yes.
Comment: The variant is observed at an extremely low frequency in the gnomAD v4.1.0 dataset (total allele frequency: <0.001%). Predicted Consequence/Location: Frameshift: predicted to result in a loss or disruption of normal protein function through nonsense-mediated decay (NMD) or protein truncation. Multiple pathogenic variants are reported downstream of the variant. The variant was homozygous. The variant has been reported to be associated with PCARE-related disorder (ClinVar ID: VCV001456390). Therefore, this variant is classified as Pathogenic according to the recommendation of ACMG/AMP guideline.

Blueprint Genetics
Classification: Likely pathogenic for PCARE-related disorders. Last evaluated: 2022-09-02. Review status: criteria provided, single submitter. Criteria: ACMG Guidelines, 2015. Collection method: clinical testing. Allele origin: germline. Affected: yes. Observed: 2 variant alleles.

Literature cited by the submitters: PubMed 20398886 (cited by Labcorp Genetics (formerly Invitae), Labcorp); PubMed 24339724 (cited by Labcorp Genetics (formerly Invitae), Labcorp); PubMed 26496393 (cited by Labcorp Genetics (formerly Invitae), Labcorp).

NM_001029883.3(PCARE):c.3346_3349del (p.Ser1116fs)

Gene: PCARE (photoreceptor cilium actin regulator; minus strand). Cytogenetic location: 2p23.2.
Variant type: Deletion.
Coding change: c.3346_3349del on transcript NM_001029883.3 (MANE Select); coding-DNA positions 3346 to 3349, 4 bases deleted (TCTG; older notation c.3346_3349delTCTG).
Protein change: p.Ser1116fs; shifts the reading frame from serine 1116.
Molecular consequence: frameshift variant.
Genome position (GRCh38, 1-based): chr2:29,070,913-29,070,916, CAGA deleted on the plus strand (TCTG on the coding strand, the reverse complement: PCARE is on the minus strand); deleting any 4 consecutive bases within chr2:29,070,913-29,070,918 gives the same sequence; the c. name uses the placement nearest the transcript's 3' end. VCF-style (leftmost placement, unchanged base first): chr2-29070912-CCAGA-C. GRCh37 (hg19) VCF-style: chr2-29293778-CCAGA-C.
Other names: short protein forms S1116fs.
Identifiers: ClinVar variation 1456390 (VCV001456390.8), dbSNP rs767188967, ClinGen allele CA1591955.